The following is an entry in ClinVar:

ClinVar aggregate classification (germline): Conflicting classifications of pathogenicity. Review status: criteria provided, conflicting classifications (1 of 4 stars). 2 submissions from 2 submitters: Uncertain significance (1); Likely benign (1). Last evaluated 2025-04-03.

Conditions:
Inborn genetic diseases. Identifiers: MedGen C0950123, MeSH D030342.
PCNT-related disorder. Also called: PCNT-related condition.

gnomAD v4.1: 23 of 1,614,060 alleles (0.0014%); highest among the groups gnomAD compares: Middle Eastern, 0.016%; no homozygotes.

Submissions (2):

Ambry Genetics
Classification: Likely benign for Inborn genetic diseases. Last evaluated: 2025-04-03. Review status: criteria provided, single submitter. Criteria: Ambry Variant Classification Scheme 2023. Collection method: clinical testing. Allele origin: germline.

PreventionGenetics, part of Exact Sciences
Classification: Uncertain significance for PCNT-related condition. Last evaluated: 2025-03-26. Review status: criteria provided, single submitter. Criteria: ACMG Guidelines, 2015. Collection method: clinical testing. Allele origin: germline.
Comment: The PCNT c.6236G>A variant is predicted to result in the amino acid substitution p.Arg2079His. To our knowledge, this variant has not been reported in the literature. This variant is reported in 0.013% of alleles in individuals of South Asian descent in gnomAD. At this time, the clinical significance of this variant is uncertain due to the absence of conclusive functional and genetic evidence.

NM_006031.6(PCNT):c.6236G>A (p.Arg2079His)

Gene: PCNT (pericentrin; plus strand). Cytogenetic location: 21q22.3.
Variant type: single nucleotide variant.
Coding change: c.6236G>A on transcript NM_006031.6 (MANE Select); coding-DNA position 6236, G replaced by A.
Protein change: p.Arg2079His; replaces arginine 2079 with histidine.
Molecular consequence: missense variant.
Genome position (GRCh38, 1-based): chr21:46,416,154, G>A. VCF-style: chr21-46416154-G-A. GRCh37 (hg19) VCF-style: chr21-47836068-G-A.
Other names: c.5882G>A, p.Arg1961His (NM_001315529.2); short protein forms R2079H, R1961H.
Identifiers: ClinVar variation 3929677 (VCV003929677.2).
Genomic context (GRCh38, chr21:46,416,154, plus strand): 5'-GTCAGCTGCCGAAGGTCGATCTCGTAGCTCAGGTGAAACAGCTTCAGGAAAAACTGAACC[G>A]TTTGCTGTATTCCATGACCTTCCAGAATGTGGATGCTGCCGACACCAAATCTCTGTGGCC-3'
Protein context (NP_006022.3, residues 2069-2089): QVKQLQEKLN[Arg2079His]LLYSMTFQNV